The following is an entry in ClinVar:

ClinVar aggregate classification (germline): Uncertain significance (1 of 4 stars; one submission).

Conditions:
Long QT syndrome (LQTS). Identifiers: MedGen C0023976, MeSH D008133, MONDO:0002442. Disease mechanism: loss of function. Inheritance: Various modes of inheritance.

Submission:

Labcorp Genetics (formerly Invitae), Labcorp
Classification: Uncertain significance for Long QT syndrome. Last evaluated: 2020-10-26. Review status: criteria provided, single submitter. Criteria: Invitae Variant Classification Sherloc (09022015). Collection method: clinical testing. Allele origin: germline.
Comment: This variant results in a copy number gain of the genomic region encompassing the full coding sequence of the KCNH2 gene. The boundaries of this event are unknown as they extend beyond the assayed region for this gene and therefore may encompass additional genes. As the precise location of this event is unknown, it may be in tandem or it may be located elsewhere in the genome. This variant has not been reported in the literature in individuals with KCNH2-related conditions. In summary, the available evidence is currently insufficient to determine the role of this variant in disease. Therefore, it has been classified as a Variant of Uncertain Significance.

NC_000007.13:g.(?_150642453)_(152373165_?)dup

Genes: RHEB (Ras homolog, mTORC1 binding; minus strand), SLC4A2 (solute carrier family 4 member 2; plus strand), SMARCD3 (SWI/SNF related BAF chromatin remodeling complex subunit D3; minus strand), TMUB1 (transmembrane and ubiquitin like domain containing 1; minus strand), WDR86 (WD repeat domain 86; minus strand) and 20 more. Cytogenetic location: 7q36.1.
Variant type: Duplication.
Identifiers: ClinVar variation 1027137 (VCV001027137.1).